The following is an entry in ClinVar:

NM_001367857.2(SATL1):c.1755C>T (p.Asn585=)

Gene: SATL1 (spermidine/spermine N1-acetyl transferase like 1; minus strand). Cytogenetic location: Xq21.1.
Variant type: single nucleotide variant.
Coding change: c.1755C>T on transcript NM_001367857.2 (MANE Select); coding-DNA position 1755, C replaced by T.
Protein change: p.Asn585=; no amino-acid change (asparagine 585 retained).
Molecular consequence: synonymous variant.
Genome position (GRCh38, 1-based): chrX:85,094,935, G>A on the plus strand (C>T on the coding strand, the complement: SATL1 is on the minus strand). VCF-style: chrX-85094935-G-A. GRCh37 (hg19) VCF-style: chrX-84349941-G-A.
Other names: c.1755C>T, p.Asn585= (NM_001012980.2, NM_001367858.2).
Identifiers: ClinVar variation 3037120 (VCV003037120.2), dbSNP rs141349825, ClinGen allele CA10464254.

ClinVar aggregate classification (germline): Benign (0 of 4 stars; one submission).

Conditions:
SATL1-related disorder. Also called: SATL1-related condition.

Allele frequency attached by ClinVar (database versions not stated): gnomAD exomes 0.02226; ExAC 0.02842; 1000 Genomes Project 0.01139; 1000 Genomes Project 30x 0.01207; TOPMed 0.01530; gnomAD 0.01632; ESP Exome Variant Server 0.01695.
gnomAD v4.1: 25,641 of 1,178,147 alleles (2.2%); highest among the groups gnomAD compares: South Asian, 4.8%; 254 homozygotes.

Submission:

PreventionGenetics, part of Exact Sciences
Classification: Benign for SATL1-related condition. Last evaluated: 2020-01-20. Review status: no assertion criteria provided. Collection method: clinical testing. Allele origin: germline.
Comment: This variant is classified as benign based on ACMG/AMP sequence variant interpretation guidelines (Richards et al. 2015 PMID: 25741868, with internal and published modifications).